The following is an entry in ClinVar:

NM_020975.6(RET):c.646T>G (p.Cys216Gly)

Gene: RET (ret proto-oncogene; plus strand). Cytogenetic location: 10q11.21.
Variant type: single nucleotide variant.
Coding change: c.646T>G on transcript NM_020975.6 (MANE Select); coding-DNA position 646, T replaced by G.
Protein change: p.Cys216Gly; replaces cysteine 216 with glycine.
Molecular consequence: missense variant. On other transcripts: 5 prime UTR variant (1), intron variant (22).
Genome position (GRCh38, 1-based): chr10:43,104,972, T>G. VCF-style: chr10-43104972-T-G. GRCh37 (hg19) VCF-style: chr10-43600420-T-G.
Other names: c.-117T>G (NM_001355216.2); c.646T>G, p.Cys216Gly (NM_001406743.1, NM_001406744.1, NM_001406759.1 and 6 more transcripts); c.517T>G, p.Cys173Gly (NM_001406761.1, NM_001406762.1, NM_001406764.1 and 2 more transcripts); c.358T>G, p.Cys120Gly (NM_001406766.1, NM_001406767.1, NM_001406770.1); c.625+2343T>G (NM_001406773.1, NM_001406771.1, NM_001406782.1 and 5 more transcripts); c.496+2343T>G (NM_001406786.1, NM_001406783.1); c.338-4059T>G (NM_001406778.1, NM_001406775.1, NM_001406776.1 and 1 more transcripts); c.337+4250T>G (NM_001406790.1, NM_001406788.1, NM_001406789.1 and 1 more transcripts); and 2 more; short protein forms C173G, C216G, C120G.
Identifiers: ClinVar variation 4708253 (VCV004708253.1).

ClinVar aggregate classification (germline): Uncertain significance (1 of 4 stars; one submission).

Conditions:
Multiple endocrine neoplasia, type 2 (MEN2). Identifiers: Orphanet 653, MedGen C4048306, MONDO:0019003. Disease mechanism: gain of function.

gnomAD v4.1: 1 of 1,573,652 alleles (0.000064%); highest among the groups gnomAD compares: Non-Finnish European, 0.000086%; no homozygotes.

Submission:

Labcorp Genetics (formerly Invitae), Labcorp
Classification: Uncertain significance for Multiple endocrine neoplasia, type 2. Last evaluated: 2025-12-14. Review status: criteria provided, single submitter. Criteria: Invitae Variant Classification Sherloc (09022015). Collection method: clinical testing. Allele origin: germline.
Comment: This sequence change replaces cysteine, which is neutral and slightly polar, with glycine, which is neutral and non-polar, at codon 216 of the RET protein (p.Cys216Gly). This variant is not present in population databases (gnomAD no frequency). This variant has not been reported in the literature in individuals affected with RET-related conditions. An algorithm developed to predict the effect of missense changes on protein structure and function (PolyPhen-2) suggests that this variant is likely to be tolerated. In summary, the available evidence is currently insufficient to determine the role of this variant in disease. Therefore, it has been classified as a Variant of Uncertain Significance.